The following is an entry in ClinVar:

NC_000018.9:g.(?_2656075)_(3457938_?)del

Genes: EMILIN2 (elastin microfibril interfacer 2; plus strand), LPIN2 (lipin 2; minus strand), MYL12A (myosin light chain 12A; plus strand), MYL12B (myosin light chain 12B; plus strand), MYOM1 (myomesin 1; minus strand) and 2 more. Cytogenetic location: 18p11.32-11.31.
Variant type: Deletion.
Identifiers: ClinVar variation 2424763 (VCV002424763.4).

ClinVar aggregate classification (germline): Conflicting classifications of pathogenicity. Review status: criteria provided, conflicting classifications (1 of 4 stars). 2 submissions from 1 submitter: Pathogenic (1); Uncertain significance (1). Last evaluated 2023-11-27.

Conditions:
Facioscapulohumeral muscular dystrophy 2 (FSHD2). Also called: FACIOSCAPULOHUMERAL MUSCULAR DYSTROPHY 2, DIGENIC; FSHD2, DIGENIC; MUSCULAR DYSTROPHY, FACIOSCAPULOHUMERAL, TYPE 1B. Identifiers: Orphanet 269, MedGen C1834671, MONDO:0008031, OMIM 158901.
Hypertrophic cardiomyopathy. Also called: HYPERTROPHIC MYOCARDIOPATHY. Identifiers: Orphanet 217569, MedGen C0007194, MeSH D002312, MONDO:0005045, HP:0001639.

Submissions (2):

Labcorp Genetics (formerly Invitae), Labcorp
Classification: Pathogenic for Facioscapulohumeral muscular dystrophy 2. Last evaluated: 2023-11-27. Review status: criteria provided, single submitter. Criteria: Invitae Variant Classification Sherloc (09022015). Collection method: clinical testing. Allele origin: unknown.
Comment: A gross deletion of the genomic region encompassing the full coding sequence of the SMCHD1 gene has been identified. Loss-of-function variants in SMCHD1 are known to be pathogenic (PMID: 23143600). The boundaries of this event are unknown as they extend beyond the assayed region for this gene and therefore may encompass additional genes. Isolated whole-gene deletions of SMCHD1 have not been reported in the literature. However, larger copy number events that include this gene have been reported (PMID: 25820463). For these reasons, this variant has been classified as Pathogenic.

Labcorp Genetics (formerly Invitae), Labcorp
Classification: Uncertain significance for Hypertrophic cardiomyopathy. Last evaluated: 2022-07-03. Review status: criteria provided, single submitter. Criteria: Invitae Variant Classification Sherloc (09022015). Collection method: clinical testing. Allele origin: germline.
Comment: A gross deletion of the genomic region encompassing the full coding sequence of the MYOM1 gene has been identified. The current clinical and genetic evidence is not sufficient to establish whether loss-of-function variants in MYOM1 cause disease. The boundaries of this event are unknown as they extend beyond the assayed region for this gene and therefore may encompass additional genes. This variant has not been reported in the literature in individuals affected with MYOM1-related conditions. In summary, the available evidence is currently insufficient to determine the role of this variant in disease. Therefore, it has been classified as a Variant of Uncertain Significance.

Literature cited by the submitters: PubMed 23143600; PubMed 25820463.